The following is an entry in ClinVar:

NM_015189.3(EXOC6B):c.985C>T (p.Pro329Ser)

Gene: EXOC6B (exocyst complex component 6B; minus strand). Cytogenetic location: 2p13.2.
Variant type: single nucleotide variant.
Coding change: c.985C>T on transcript NM_015189.3 (MANE Select); coding-DNA position 985, C replaced by T.
Protein change: p.Pro329Ser; replaces proline 329 with serine.
Molecular consequence: missense variant. On other transcripts: non-coding transcript variant (2).
Genome position (GRCh38, 1-based): chr2:72,515,057, G>A on the plus strand (C>T on the coding strand, the complement: EXOC6B is on the minus strand). VCF-style: chr2-72515057-G-A. GRCh37 (hg19) VCF-style: chr2-72742186-G-A.
Other names: c.985C>T, p.Pro329Ser (NM_001321729.2, NM_001321730.2, NM_001321731.2 and 1 more transcripts); c.646C>T, p.Pro216Ser (NM_001321734.2); short protein forms P216S, P329S.
Identifiers: ClinVar variation 1718451 (VCV001718451.4), dbSNP rs1558752074, ClinGen allele CA347431119.
Genomic context (GRCh38, chr2:72,515,057, plus strand): 5'-AGGAGGAAAAGTAAAAATGTGAGAAAAGTGAAGATGGTAATCCTACCATGTTAGATGGAG[G>A]TTGAAGTACCAAACGAGCCTGTTTTCGCCTCTGTTTTCGGTAGTAATTCTCAAATGTTTC-3'
Protein context (NP_056004.1, residues 319-339): RRKQARLVLQ[Pro329Ser]PSNMHETLDG

ClinVar aggregate classification (germline): Uncertain significance (1 of 4 stars; one submission).

Allele frequency attached by ClinVar (database versions not stated): gnomAD exomes below 0.00001.
gnomAD v4.1: 2 of 1,605,838 alleles (0.00012%); highest among the groups gnomAD compares: Non-Finnish European, 0.00017%; no homozygotes.

Submission:

Labcorp Genetics (formerly Invitae), Labcorp
Classification: Uncertain significance. Last evaluated: 2022-09-13. Review status: criteria provided, single submitter. Criteria: Invitae Variant Classification Sherloc (09022015). Collection method: clinical testing. Allele origin: germline.
Comment: This variant has not been reported in the literature in individuals affected with EXOC6B-related conditions. This sequence change replaces proline, which is neutral and non-polar, with serine, which is neutral and polar, at codon 329 of the EXOC6B protein (p.Pro329Ser). This variant is not present in population databases (gnomAD no frequency). Experimental studies and prediction algorithms are not available or were not evaluated, and the functional significance of this variant is currently unknown. In summary, the available evidence is currently insufficient to determine the role of this variant in disease. Therefore, it has been classified as a Variant of Uncertain Significance.